The following is an entry in ClinVar:

NC_000011.9:g.(?_32456236)_(32460464_?)del

Genes: WT1 (WT1 transcription factor; minus strand), WT1-AS (WT1 antisense RNA; plus strand). Cytogenetic location: 11p13.
Variant type: Deletion.
Identifiers: ClinVar variation 1073615 (VCV001073615.8).

ClinVar aggregate classification (germline): Pathogenic (1 of 4 stars; one submission).

Conditions:
Drash syndrome (DDS). Also called: WILMS TUMOR AND PSEUDO- OR TRUE HERMAPHRODITISM; NEPHROPATHY, WILMS TUMOR, AND GENITAL ANOMALIES. Identifiers: Orphanet 220, MedGen C0950121, MONDO:0008682, OMIM 194080.
Frasier syndrome. Identifiers: Orphanet 347, MedGen C0950122, MeSH D052159, MONDO:0007635, OMIM 136680.
Wilms tumor 1 (WT1). Also called: Wilms tumor, somatic. Identifiers: Orphanet 654, MedGen CN033288, MONDO:0008679, OMIM 194070.
11p partial monosomy syndrome (WAGR). Also called: WAGR syndrome; WAGR Spectrum Disorder; CHROMOSOME 11p13 DELETION SYNDROME; WAGR Complex. Identifiers: Orphanet 893, MedGen C0206115, MONDO:0008681, OMIM 194072.

Submission:

Labcorp Genetics (formerly Invitae), Labcorp
Classification: Pathogenic for Wilms tumor 1; Drash syndrome; 11p partial monosomy syndrome; Frasier syndrome. Last evaluated: 2023-08-23. Review status: criteria provided, single submitter. Criteria: Invitae Variant Classification Sherloc (09022015). Collection method: clinical testing. Allele origin: germline.
Comment: For these reasons, this variant has been classified as Pathogenic. This variant has not been reported in the literature in individuals affected with WT1-related conditions. This variant is a gross deletion of the genomic region encompassing exon(s) 1 of the WT1 gene, which includes the initiator codon. This deletion extends beyond the assayed region for this gene and therefore may encompass additional genes. It is expected to result in an absent or disrupted protein product. Loss-of-function variants in WT1 are known to be pathogenic (PMID: 15150775).

Literature cited by the submitters: PubMed 15150775.